The following is an entry in ClinVar:

NM_000138.5(FBN1):c.8488C>T (p.Gln2830Ter)

Gene: FBN1 (fibrillin 1; minus strand). Cytogenetic location: 15q21.1.
Variant type: single nucleotide variant.
Coding change: c.8488C>T on transcript NM_000138.5 (MANE Select); coding-DNA position 8488, C replaced by T.
Protein change: p.Gln2830Ter; replaces glutamine 2830 with a stop codon.
Molecular consequence: nonsense.
Genome position (GRCh38, 1-based): chr15:48,411,118, G>A on the plus strand (C>T on the coding strand, the complement: FBN1 is on the minus strand). VCF-style: chr15-48411118-G-A. GRCh37 (hg19) VCF-style: chr15-48703315-G-A.
Other names: NM_000138.5(FBN1):c.8488C>T; p.Gln2830Ter; short protein forms Q2830*.
Identifiers: ClinVar variation 263414 (VCV000263414.13), dbSNP rs886038795, ClinGen allele CA10587783.

ClinVar aggregate classification (germline): Likely pathogenic. Review status: reviewed by expert panel (3 of 4 stars). 4 submissions from 4 submitters: Likely pathogenic (1). 3 of the submissions do not count toward it. Last evaluated 2024-08-22.

Conditions:
Cardiovascular phenotype. Identifiers: MedGen CN230736.
Marfan syndrome (MFS). Also called: MARFAN SYNDROME, TYPE I; FBN1-Related Marfan Syndrome; Marfan syndrome, classic; Marfan syndrome type 1; Marfan's syndrome. Identifiers: Orphanet 284963, Orphanet 558, MedGen C0024796, MONDO:0007947, OMIM 154700.
Familial thoracic aortic aneurysm and aortic dissection (TAAD). Also called: Thoracic aortic aneurysms and dissections. Identifiers: Orphanet 91387, MedGen C4707243, MONDO:0019625.

Submissions (4):

ClinGen FBN1 Variant Curation Expert Panel, ClinGen
Classification: Likely pathogenic for Marfan syndrome. Last evaluated: 2024-08-22. Review status: reviewed by expert panel. Criteria: Assertion Criteria VCEP FBN1 Version 1. Collection method: curation. Allele origin: germline. Inheritance: Autosomal dominant inheritance.
Comment: The NM_00138 c.8488C>T, is a nonsense variant in FBN1 that occurs in the last exon of the gene and is not expected to undergo nonsense-mediated decay but is expected to disrupt the last 42 amino acids of the protein. Premature terminations in the C-terminus are considered to be deleterious (PVS1_Strong; PMID 24982166, 12161601, 7911051, 21034599). This variant has been reported twice in ClinVar, once as pathogenic and once as uncertain significance (Variation ID: 263414). This variant is not present in gnomAD (PM2_sup; v2.1.1). In summary, this variant meets criteria to be classified as likely pathogenic for Marfan syndrome based on the ACMG/AMP criteria applied, as specified by the ClinGen FBN1 VCEP: PVS1_Strong, PM2_Sup, PP4

Labcorp Genetics (formerly Invitae), Labcorp
Classification: Pathogenic for Marfan syndrome; Familial thoracic aortic aneurysm and aortic dissection. Last evaluated: 2024-07-31. Review status: criteria provided, single submitter. Criteria: Invitae Variant Classification Sherloc (09022015). Collection method: clinical testing. Allele origin: germline. Not counted in ClinVar's aggregate classification.
Comment: This sequence change creates a premature translational stop signal (p.Gln2830*) in the FBN1 gene. While this is not anticipated to result in nonsense mediated decay, it is expected to disrupt the last 42 amino acid(s) of the FBN1 protein. This variant is not present in population databases (gnomAD no frequency). This premature translational stop signal has been observed in individuals with clinical features of Marfan syndrome (Invitae). ClinVar contains an entry for this variant (Variation ID: 263414). This variant disrupts a region of the FBN1 protein in which other variant(s) (p.Gln2867*) have been determined to be pathogenic (PMID: 19293843). This suggests that this is a clinically significant region of the protein, and that variants that disrupt it are likely to be disease-causing. For these reasons, this variant has been classified as Pathogenic.

Ambry Genetics
Classification: Pathogenic for Cardiovascular phenotype. Last evaluated: 2012-09-24. Review status: criteria provided, single submitter. Criteria: Ambry Autosomal Dominant and X-Linked criteria (10/2015). Collection method: clinical testing. Allele origin: germline. Observed: 1 variant allele. Not counted in ClinVar's aggregate classification.

Center for Medical Genetics Ghent, University of Ghent
Classification: Uncertain significance for Marfan syndrome. Last evaluated: 2017-11-07. Review status: no assertion criteria provided. Collection method: clinical testing. Allele origin: germline. Affected: yes. Not counted in ClinVar's aggregate classification.

Literature cited by the submitters: PubMed 19293843 (cited by Labcorp Genetics (formerly Invitae), Labcorp).